The following is an entry in ClinVar:

NM_006096.4(NDRG1):c.698G>A (p.Ser233Asn)

Gene: NDRG1 (N-myc downstream regulated 1; minus strand). Cytogenetic location: 8q24.22.
Variant type: single nucleotide variant.
Coding change: c.698G>A on transcript NM_006096.4 (MANE Select); coding-DNA position 698, G replaced by A.
Protein change: p.Ser233Asn; replaces serine 233 with asparagine.
Molecular consequence: missense variant.
Genome position (GRCh38, 1-based): chr8:133,250,440, C>T on the plus strand (G>A on the coding strand, the complement: NDRG1 is on the minus strand). VCF-style: chr8-133250440-C-T. GRCh37 (hg19) VCF-style: chr8-134262683-C-T.
Other names: c.698G>A, p.Ser233Asn (NM_001135242.2, NM_001374845.1, NM_001374846.1); c.500G>A, p.Ser167Asn (NM_001258432.2, NM_001374847.1); c.455G>A, p.Ser152Asn (NM_001258433.2); c.749G>A, p.Ser250Asn (NM_001374844.1); short protein forms S152N, S167N, S233N, S250N.
Identifiers: ClinVar variation 2444024 (VCV002444024.1), dbSNP rs2538030727, ClinGen allele CA372255267.

ClinVar aggregate classification (germline): Uncertain significance (1 of 4 stars; one submission).

Conditions:
Charcot-Marie-Tooth disease type 4D. Also called: NEUROPATHY, HEREDITARY MOTOR AND SENSORY, LOM TYPE; Charcot-Marie-Tooth Neuropathy Type 4D; CHARCOT-MARIE-TOOTH DISEASE, DEMYELINATING, TYPE 4D; CHARCOT-MARIE-TOOTH DISEASE, DEMYELINATING, AUTOSOMAL RECESSIVE, TYPE 4D. Identifiers: Orphanet 99950, MedGen C1832334, MONDO:0011085, OMIM 601455.

Submission:

3billion
Classification: Uncertain significance for Charcot-Marie-Tooth disease type 4D. Last evaluated: 2023-02-23. Review status: criteria provided, single submitter. Criteria: ACMG Guidelines, 2015. Collection method: clinical testing. Allele origin: unknown. Affected: yes.
Comment: The variant is not observed in the gnomAD v2.1.1 dataset. In silico tools predict the variant to alter splicing and produce an abnormal transcript (SpliceAI: 0.87). Therefore, this variant is classified as VUS according to the recommendation of ACMG/AMP guideline.